The following is an entry in ClinVar:

ClinVar aggregate classification (germline): Conflicting classifications of pathogenicity. Review status: criteria provided, conflicting classifications (1 of 4 stars). 2 submissions from 2 submitters: Uncertain significance (1); Likely benign (1). Last evaluated 2026-08-22.

Conditions:
PKD1-related disorder. Also called: PKD1-related condition.
Inborn genetic diseases. Identifiers: MedGen C0950123, MeSH D030342.

Allele frequency attached by ClinVar (database versions not stated): ExAC 0.00015; gnomAD exomes 0.00017; TOPMed 0.00017; gnomAD 0.00021; 1000 Genomes Project 30x 0.00031; 1000 Genomes Project 0.00040.
gnomAD v4.1: 271 of 1,610,286 alleles (0.017%); highest among the groups gnomAD compares: Admixed American, 0.048%; no homozygotes.

Submissions (2):

PreventionGenetics, part of Exact Sciences
Classification: Likely benign for PKD1-related condition. Last evaluated: 2026-08-22. Review status: criteria provided, single submitter. Criteria: ACMG Guidelines, 2015. Collection method: clinical testing. Allele origin: germline.
Comment: This variant is classified as likely benign based on ACMG/AMP sequence variant interpretation guidelines (Richards et al. 2015 PMID: 25741868, with internal and published modifications).

Ambry Genetics
Classification: Uncertain significance for Inborn genetic diseases. Last evaluated: 2024-08-01. Review status: criteria provided, single submitter. Criteria: Ambry Variant Classification Scheme 2023. Collection method: clinical testing. Allele origin: germline.

NM_001009944.3(PKD1):c.8395G>A (p.Ala2799Thr)

Gene: PKD1 (polycystin 1, transient receptor potential channel interacting; minus strand). Cytogenetic location: 16p13.3.
Variant type: single nucleotide variant.
Coding change: c.8395G>A on transcript NM_001009944.3 (MANE Select); coding-DNA position 8395, G replaced by A.
Protein change: p.Ala2799Thr; replaces alanine 2799 with threonine.
Molecular consequence: missense variant.
Genome position (GRCh38, 1-based): chr16:2,103,662, C>T on the plus strand (G>A on the coding strand, the complement: PKD1 is on the minus strand). VCF-style: chr16-2103662-C-T. GRCh37 (hg19) VCF-style: chr16-2153663-C-T.
Other names: c.8395G>A (NM_000296.3); c.8395G>A, p.Ala2799Thr (NM_000296.4); short protein forms A2799T.
Identifiers: ClinVar variation 3042304 (VCV003042304.4), dbSNP rs554089372, ClinGen allele CA7830531.